The following is an entry in ClinVar:

NM_003106.4(SOX2):c.529C>T (p.Gln177Ter)

Genes: SOX2 (SRY-box transcription factor 2; plus strand), SOX2-OT (SOX2 overlapping transcript; plus strand), LOC108281177 (SOX2 5' regulatory region; plus strand). Cytogenetic location: 3q26.33.
Variant type: single nucleotide variant.
Coding change: c.529C>T on transcript NM_003106.4 (MANE Select); coding-DNA position 529, C replaced by T.
Protein change: p.Gln177Ter; replaces glutamine 177 with a stop codon.
Molecular consequence: nonsense.
Genome position (GRCh38, 1-based): chr3:181,712,889, C>T. VCF-style: chr3-181712889-C-T. GRCh37 (hg19) VCF-style: chr3-181430677-C-T.
Other names: c.529C>T (NM_003106.3); short protein forms Q177*.
Identifiers: ClinVar variation 12814 (VCV000012814.3), dbSNP rs104893799, ClinGen allele CA256553.

ClinVar aggregate classification (germline): Pathogenic. Review status: criteria provided, single submitter (1 of 4 stars). 2 submissions from 2 submitters: Pathogenic (1). 1 of the submissions does not count toward it. Last evaluated 2023-10-24.

Conditions:
Anophthalmia/microphthalmia-esophageal atresia syndrome (MCOPS3). Also called: AEG SYNDROME; SOX2 Disorder; MICROPHTHALMIA AND ESOPHAGEAL ATRESIA SYNDROME. Identifiers: Orphanet 77298, MedGen C1859773, MONDO:0008799, OMIM 206900.

Submissions (2):

GeneDx
Classification: Pathogenic. Last evaluated: 2023-10-24. Review status: criteria provided, single submitter. Criteria: GeneDx Variant Classification Process June 2021. Collection method: clinical testing. Allele origin: germline. Affected: yes.
Comment: Published functional studies demonstrate a loss of function effect with this variant on SOX2 activity (PMID: 16932809); Nonsense variant predicted to result in protein truncation, as the last 141 amino acids are lost, and other loss-of-function variants have been reported downstream in HGMD; Not observed at significant frequency in large population cohorts (gnomAD); This variant is associated with the following publications: (PMID: 12612584, 16932809)

OMIM
Classification: Pathogenic for MICROPHTHALMIA, SYNDROMIC 3. Last evaluated: 2006-09-01. Review status: no assertion criteria provided. Collection method: literature only. Allele origin: germline. Not counted in ClinVar's aggregate classification.

Literature cited by the submitters: PubMed 12612584 (cited by OMIM); PubMed 16932809 (cited by OMIM).